The following is an entry in ClinVar:

ClinVar aggregate classification (germline): Uncertain significance (1 of 4 stars; one submission).

Conditions:
Fanconi anemia (FA). Also called: Fanconi's anemia. Identifiers: Orphanet 84, MedGen C0015625, MeSH D005199, MONDO:0019391.

Allele frequency attached by ClinVar (database versions not stated): TOPMed 0.00001; gnomAD exomes 0.00003; ExAC 0.00002.

Submission:

Labcorp Genetics (formerly Invitae), Labcorp
Classification: Uncertain significance for Fanconi anemia. Last evaluated: 2022-10-05. Review status: criteria provided, single submitter. Criteria: Invitae Variant Classification Sherloc (09022015). Collection method: clinical testing. Allele origin: germline.
Comment: This sequence change replaces glutamic acid, which is acidic and polar, with lysine, which is basic and polar, at codon 13 of the FANCF protein (p.Glu13Lys). This variant is present in population databases (rs766362210, gnomAD 0.02%). This variant has not been reported in the literature in individuals affected with FANCF-related conditions. ClinVar contains an entry for this variant (Variation ID: 843819). Advanced modeling of protein sequence and biophysical properties (such as structural, functional, and spatial information, amino acid conservation, physicochemical variation, residue mobility, and thermodynamic stability) performed at Invitae indicates that this missense variant is expected to disrupt FANCF protein function. In summary, the available evidence is currently insufficient to determine the role of this variant in disease. Therefore, it has been classified as a Variant of Uncertain Significance.

NM_022725.4(FANCF):c.37G>A (p.Glu13Lys)

Gene: FANCF (FA complementation group F; minus strand). Cytogenetic location: 11p14.3.
Variant type: single nucleotide variant.
Coding change: c.37G>A on transcript NM_022725.4 (MANE Select); coding-DNA position 37, G replaced by A.
Protein change: p.Glu13Lys; replaces glutamic acid 13 with lysine.
Molecular consequence: missense variant.
Genome position (GRCh38, 1-based): chr11:22,625,774, C>T on the plus strand (G>A on the coding strand, the complement: FANCF is on the minus strand). VCF-style: chr11-22625774-C-T. GRCh37 (hg19) VCF-style: chr11-22647320-C-T.
Other names: short protein forms E13K.
Identifiers: ClinVar variation 843819 (VCV000843819.5), dbSNP rs766362210, ClinGen allele CA5924451.